The following is an entry in ClinVar:

NM_004333.6(BRAF):c.1818G>A (p.Gly606=)

Gene: BRAF (B-Raf proto-oncogene, serine/threonine kinase; minus strand). Cytogenetic location: 7q34.
Variant type: single nucleotide variant.
Coding change: c.1818G>A on transcript NM_004333.6 (MANE Select); coding-DNA position 1818, G replaced by A.
Protein change: p.Gly606=; no amino-acid change (glycine 606 retained).
Molecular consequence: synonymous variant.
Genome position (GRCh38, 1-based): chr7:140,753,317, C>T on the plus strand (G>A on the coding strand, the complement: BRAF is on the minus strand). VCF-style: chr7-140753317-C-T. GRCh37 (hg19) VCF-style: chr7-140453117-C-T.
Other names: c.1818G>A, p.Gly606= (NM_001354609.2, NM_001378468.1, NM_001378474.1); c.1938G>A, p.Gly646= (NM_001374244.1, NM_001374258.1); c.1827G>A, p.Gly609= (NM_001378467.1); c.1752G>A, p.Gly584= (NM_001378469.1); c.1716G>A, p.Gly572= (NM_001378470.1); c.1707G>A, p.Gly569= (NM_001378471.1); c.1662G>A, p.Gly554= (NM_001378472.1, NM_001378473.1); c.1554G>A, p.Gly518= (NM_001378475.1).
Identifiers: ClinVar variation 1592707 (VCV001592707.35), dbSNP rs1797931923, ClinGen allele CA457986887.

ClinVar aggregate classification (germline): Likely benign. Review status: criteria provided, multiple submitters, no conflicts (2 of 4 stars). 3 submissions from 3 submitters: Likely benign (3). Last evaluated 2025-12-23.

Conditions:
Cardiovascular phenotype. Identifiers: MedGen CN230736.
RASopathy. Also called: rasopathies; Noonan spectrum disorder. Identifiers: Orphanet 536391, MedGen C5555857, MONDO:0021060.

Allele frequency attached by ClinVar (database versions not stated): gnomAD exomes below 0.00001; TOPMed below 0.00001; gnomAD 0.00001.
gnomAD v4.1: 4 of 1,612,524 alleles (0.00025%); highest among the groups gnomAD compares: Non-Finnish European, 0.00025%; no homozygotes.

Submissions (3):

Labcorp Genetics (formerly Invitae), Labcorp
Classification: Likely benign for RASopathy. Last evaluated: 2025-12-23. Review status: criteria provided, single submitter. Criteria: Invitae Variant Classification Sherloc (09022015). Collection method: clinical testing. Allele origin: germline.

CeGaT Center for Human Genetics Tuebingen
Classification: Likely benign. Last evaluated: 2025-08-01. Review status: criteria provided, single submitter. Criteria: CeGaT Center For Human Genetics Tuebingen Variant Classification Criteria Version 2. Collection method: clinical testing. Allele origin: germline. Affected: yes. Observed: 2 variant alleles.
Comment: BRAF: BP4, BP7

Ambry Genetics
Classification: Likely benign for Cardiovascular phenotype. Last evaluated: 2019-08-02. Review status: criteria provided, single submitter. Criteria: Ambry Variant Classification Scheme 2023. Collection method: clinical testing. Allele origin: germline.